The following is an entry in ClinVar:

NM_000059.4(BRCA2):c.10085T>C (p.Phe3362Ser)

Gene: BRCA2 (BRCA2 DNA repair associated; plus strand). Cytogenetic location: 13q13.1.
Variant type: single nucleotide variant.
Coding change: c.10085T>C on transcript NM_000059.4 (MANE Select); coding-DNA position 10085, T replaced by C.
Protein change: p.Phe3362Ser; replaces phenylalanine 3362 with serine.
Molecular consequence: missense variant.
Genome position (GRCh38, 1-based): chr13:32,398,598, T>C. VCF-style: chr13-32398598-T-C. GRCh37 (hg19) VCF-style: chr13-32972735-T-C.
Other names: short protein forms F3362S.
Identifiers: ClinVar variation 184472 (VCV000184472.27), dbSNP rs756978580, ClinGen allele CA010174.
Genomic context (GRCh38, chr13:32,398,598, plus strand): 5'-AAGAACTTGCATTGATAAATACCCAAGCTCTTTTGTCTGGTTCAACAGGAGAAAAACAAT[T>C]TATATCTGTCAGTGAATCCACTAGGACTGCTCCCACCAGTTCAGAAGATTATCTCAGACT-3'
Protein context (NP_000050.3, residues 3352-3372): LLSGSTGEKQ[Phe3362Ser]ISVSESTRTA

ClinVar aggregate classification (germline): Conflicting classifications of pathogenicity. Review status: criteria provided, conflicting classifications (1 of 4 stars). 7 submissions from 7 submitters: Uncertain significance (4); Likely benign (1). 2 of the submissions do not count toward it. Last evaluated 2025-11-05.

Conditions:
Hereditary cancer-predisposing syndrome. Also called: Hereditary neoplastic syndrome; Neoplastic Syndromes, Hereditary; Tumor predisposition; Hereditary Cancer Syndrome. Identifiers: Orphanet 140162, MedGen C0027672, MeSH D009386, MONDO:0015356.
Hereditary breast ovarian cancer syndrome. Also called: Hereditary breast and ovarian cancer syndrome (HBOC); Breast and ovarian cancer; Hereditary breast and/or ovarian cancer syndrome; BRCA1- and BRCA2-Associated Hereditary Breast and Ovarian Cancer; Hereditary breast and ovarian cancer syndrome; Hereditary breast and ovarian cancer. Identifiers: Orphanet 145, MedGen C0677776, MeSH D061325, MONDO:0003582. Disease mechanism: loss of function.

Allele frequency attached by ClinVar (database versions not stated): gnomAD exomes below 0.00001; ExAC 0.00001; gnomAD 0.00001.
gnomAD v4.1: 4 of 1,613,818 alleles (0.00025%); highest among the groups gnomAD compares: Non-Finnish European, 0.00034%; no homozygotes.

Submissions (7):

Labcorp Genetics (formerly Invitae), Labcorp
Classification: Uncertain significance for Hereditary breast ovarian cancer syndrome. Last evaluated: 2025-11-05. Review status: criteria provided, single submitter. Criteria: Invitae Variant Classification Sherloc (09022015). Collection method: clinical testing. Allele origin: germline.
Comment: This sequence change replaces phenylalanine, which is neutral and non-polar, with serine, which is neutral and polar, at codon 3362 of the BRCA2 protein (p.Phe3362Ser). This variant is present in population databases (rs756978580, gnomAD 0.0009%). This variant has not been reported in the literature in individuals affected with BRCA2-related conditions. ClinVar contains an entry for this variant (Variation ID: 184472). Invitae Evidence Modeling of protein sequence and biophysical properties (such as structural, functional, and spatial information, amino acid conservation, physicochemical variation, residue mobility, and thermodynamic stability) indicates that this missense variant is not expected to disrupt BRCA2 protein function with a negative predictive value of 95%. In summary, the available evidence is currently insufficient to determine the role of this variant in disease. Therefore, it has been classified as a Variant of Uncertain Significance.

Quest Diagnostics Nichols Institute San Juan Capistrano
Classification: Uncertain significance. Last evaluated: 2025-10-02. Review status: criteria provided, single submitter. Criteria: Quest Diagnostics criteria. Collection method: clinical testing. Allele origin: unknown.
Comment: The BRCA2 c.10085T>C (p.Phe3362Ser) variant has been reported in the published literature in an individual with unspecific hereditary cancer (PMID: 31853058 (2020)). In a large scale breast cancer association study, this variant has been observed in breast cancer cases and a reportedly unaffected individual (PMID: 33471991 (2021), see also LOVD). The frequency of this variant in the general population (Genome Aggregation Database) is uninformative in the assessment of its pathogenicity. Analysis of this variant using bioinformatics tools for the prediction of the effect of amino acid changes on protein structure and function yielded predictions that this variant is benign. Based on the available information, we are unable to determine the clinical significance of this variant.

Color Diagnostics, LLC DBA Color Health
Classification: Uncertain significance for Hereditary cancer-predisposing syndrome. Last evaluated: 2025-08-04. Review status: criteria provided, single submitter. Criteria: ACMG Guidelines, 2015. Collection method: clinical testing. Allele origin: germline.
Comment: This missense variant replaces phenylalanine with serine at codon 3362 of the BRCA2 protein. Computational prediction suggests that this variant may not impact protein structure and function. To our knowledge, functional studies have not been reported for this variant. This variant has been detected in a breast cancer case-control meta-analysis in 2/60466 cases and 1/53461 unaffected individuals (PMID: 33471991Leiden Open Variation Database DB-ID BRCA2_001623).\\ A multifactorial analysis has reached a combined likelihood ratio (LR) of 0.391 based on reported LR for co-occurrence with a pathogenic variant and personal and family history for 1 carrier (PMID: 31853058). This variant has been identified in 1/251184 chromosomes in the general population by the Genome Aggregation Database (gnomAD). The available evidence is insufficient to determine the role of this variant in disease conclusively. Therefore, this variant is classified as a Variant of Uncertain Significance.

Ambry Genetics
Classification: Likely benign for Hereditary cancer-predisposing syndrome. Last evaluated: 2022-07-08. Review status: criteria provided, single submitter. Criteria: Ambry Variant Classification Scheme 2023. Collection method: clinical testing. Allele origin: germline.

Mayo Clinic Laboratories, Mayo Clinic
Classification: Uncertain significance. Last evaluated: 2019-06-27. Review status: criteria provided, single submitter. Criteria: ACMG Guidelines, 2015. Collection method: clinical testing. Allele origin: germline. Observed: 1 variant allele.

Clinical Genetics DNA and cytogenetics Diagnostics Lab, Erasmus MC, Erasmus Medical Center
Classification: Likely benign. Review status: no assertion criteria provided. Collection method: clinical testing. Allele origin: germline. Affected: yes. Study: VKGL Data-share Consensus. Not counted in ClinVar's aggregate classification.

Joint Genome Diagnostic Labs from Nijmegen and Maastricht, Radboudumc and MUMC+
Classification: Likely benign. Review status: no assertion criteria provided. Collection method: clinical testing. Allele origin: germline. Affected: yes. Study: VKGL Data-share Consensus. Not counted in ClinVar's aggregate classification.

Literature cited by the submitters: PubMed 33471991 (cited by Quest Diagnostics Nichols Institute San Juan Capistrano and Color Diagnostics, LLC DBA Color Health); PubMed 31853058 (cited by Quest Diagnostics Nichols Institute San Juan Capistrano and Color Diagnostics, LLC DBA Color Health).